The following is an entry in ClinVar:

ClinVar aggregate classification (germline): Pathogenic (1 of 4 stars; one submission).

Conditions:
Cohen syndrome (COH1). Also called: Cutis verticis gyrata, retinitis pigmentosa, and sensorineural deafness; PEPPER SYNDROME. Identifiers: Orphanet 193, MedGen C0265223, MONDO:0008999, OMIM 216550.

Submission:

Labcorp Genetics (formerly Invitae), Labcorp
Classification: Pathogenic for Cohen syndrome. Last evaluated: 2023-06-14. Review status: criteria provided, single submitter. Criteria: Invitae Variant Classification Sherloc (09022015). Collection method: clinical testing. Allele origin: germline.
Comment: For these reasons, this variant has been classified as Pathogenic. This variant has not been reported in the literature in individuals affected with VPS13B-related conditions. This variant is not present in population databases (gnomAD no frequency). This sequence change creates a premature translational stop signal (p.Gly1168Lysfs*5) in the VPS13B gene. It is expected to result in an absent or disrupted protein product. Loss-of-function variants in VPS13B are known to be pathogenic (PMID: 15141358, 16648375, 20461111).

Literature cited by the submitters: PubMed 15141358; PubMed 16648375; PubMed 20461111.

NM_152564.5(VPS13B):c.3501_3502insAA (p.Gly1168fs)

Gene: VPS13B (vacuolar protein sorting 13 homolog B; plus strand). Cytogenetic location: 8q22.2.
Variant type: Insertion.
Coding change: c.3501_3502insAA on transcript NM_152564.5 (MANE Select); coding-DNA positions 3501 to 3502, AA inserted.
Protein change: p.Gly1168fs; shifts the reading frame from glycine 1168.
Molecular consequence: frameshift variant.
Genome position: GRCh38 VCF-style: chr8-99467469-T-TAA. GRCh37 (hg19) VCF-style: chr8-100479697-T-TAA.
Other names: c.3501_3502insAA, p.Gly1168fs (NM_017890.5); short protein forms G1168fs.
Identifiers: ClinVar variation 2714723 (VCV002714723.3), dbSNP rs2490281178, ClinGen allele CA2697550023.